The following is an entry in ClinVar:

ClinVar aggregate classification (germline): Likely benign (1 of 4 stars; one submission).

Allele frequency attached by ClinVar (database versions not stated): gnomAD exomes 0.00006; gnomAD 0.00007; ExAC 0.00010; TOPMed 0.00016; 1000 Genomes Project 0.00020; 1000 Genomes Project 30x 0.00031.
gnomAD v4.1: 103 of 1,610,578 alleles (0.0064%); highest among the groups gnomAD compares: Admixed American, 0.028%; no homozygotes.

Submission:

CeGaT Center for Human Genetics Tuebingen
Classification: Likely benign. Last evaluated: 2022-08-01. Review status: criteria provided, single submitter. Criteria: CeGaT Center For Human Genetics Tuebingen Variant Classification Criteria Version 2. Collection method: clinical testing. Allele origin: germline. Affected: yes. Observed: 1 variant allele.
Comment: CDH8: BP4, BP7

NM_001796.5(CDH8):c.1530C>T (p.Pro510=)

Gene: CDH8 (cadherin 8; minus strand). Cytogenetic location: 16q21.
Variant type: single nucleotide variant.
Coding change: c.1530C>T on transcript NM_001796.5 (MANE Select); coding-DNA position 1530, C replaced by T.
Protein change: p.Pro510=; no amino-acid change (proline 510 retained).
Molecular consequence: synonymous variant.
Genome position (GRCh38, 1-based): chr16:61,727,100, G>A on the plus strand (C>T on the coding strand, the complement: CDH8 is on the minus strand). VCF-style: chr16-61727100-G-A. GRCh37 (hg19) VCF-style: chr16-61761004-G-A.
Other names: c.1530C>T, p.Pro510= (NM_001410893.1).
Identifiers: ClinVar variation 2646584 (VCV002646584.24), dbSNP rs200934735, ClinGen allele CA8091455.